The following is an entry in ClinVar:

NM_022114.4(PRDM16):c.491G>A (p.Gly164Glu)

Gene: PRDM16 (PR/SET domain 16; plus strand). Cytogenetic location: 1p36.32.
Variant type: single nucleotide variant.
Coding change: c.491G>A on transcript NM_022114.4 (MANE Select); coding-DNA position 491, G replaced by A.
Protein change: p.Gly164Glu; replaces glycine 164 with glutamic acid.
Molecular consequence: missense variant.
Genome position (GRCh38, 1-based): chr1:3,385,204, G>A. VCF-style: chr1-3385204-G-A. GRCh37 (hg19) VCF-style: chr1-3301768-G-A.
Other names: c.491G>A, p.Gly164Glu (NM_199454.3); short protein forms G164E.
Identifiers: ClinVar variation 3614367 (VCV003614367.2).
Genomic context (GRCh38, chr1:3,385,204, plus strand): 5'-CCCAGCAGATCTCCGAAGACCTGGGCAGTGAGAAGTTCTGCGTGGATGCAAATCAGGCGG[G>A]GGCTGGCAGCTGGCTCAAGTACATCCGTGTGGCGTGCTCCTGCGATGACCAGAACCTCAC-3'
Protein context (NP_071397.3, residues 154-174): EKFCVDANQA[Gly164Glu]AGSWLKYIRV

ClinVar aggregate classification (germline): Uncertain significance (1 of 4 stars; one submission).

Conditions:
Left ventricular noncompaction 8 (LVNC8). Identifiers: Orphanet 154, Orphanet 54260, MedGen C3809288, MONDO:0014152, OMIM 615373.

gnomAD v4.1: 2 of 1,613,756 alleles (0.00012%); highest among the groups gnomAD compares: Admixed American, 0.0017%; no homozygotes.

Submission:

Labcorp Genetics (formerly Invitae), Labcorp
Classification: Uncertain significance for Left ventricular noncompaction 8. Last evaluated: 2025-03-09. Review status: criteria provided, single submitter. Criteria: Invitae Variant Classification Sherloc (09022015). Collection method: clinical testing. Allele origin: germline.
Comment: This sequence change replaces glycine, which is neutral and non-polar, with glutamic acid, which is acidic and polar, at codon 164 of the PRDM16 protein (p.Gly164Glu). This variant is not present in population databases (gnomAD no frequency). This variant has not been reported in the literature in individuals affected with PRDM16-related conditions. An algorithm developed to predict the effect of missense changes on protein structure and function (PolyPhen-2) suggests that this variant is likely to be tolerated. In summary, the available evidence is currently insufficient to determine the role of this variant in disease. Therefore, it has been classified as a Variant of Uncertain Significance.